The following is an entry in ClinVar:

NM_005188.4(CBL):c.41G>A (p.Gly14Asp)

Genes: CBL (Cbl proto-oncogene; plus strand), LOC130006895 (ATAC-STARR-seq lymphoblastoid silent region 3975; plus strand). Cytogenetic location: 11q23.3.
Variant type: single nucleotide variant.
Coding change: c.41G>A on transcript NM_005188.4 (MANE Select); coding-DNA position 41, G replaced by A.
Protein change: p.Gly14Asp; replaces glycine 14 with aspartic acid.
Molecular consequence: missense variant.
Genome position (GRCh38, 1-based): chr11:119,206,458, G>A. VCF-style: chr11-119206458-G-A. GRCh37 (hg19) VCF-style: chr11-119077168-G-A.
Other names: c.41G>A (NM_005188.2); short protein forms G14D.
Identifiers: ClinVar variation 302775 (VCV000302775.9), dbSNP rs868791422, ClinGen allele CA10629967.
Genomic context (GRCh38, chr11:119,206,458, plus strand): 5'-GCTCCGACCCTGCCCAGGCCATGGCCGGCAACGTGAAGAAGAGCTCTGGGGCCGGGGGCG[G>A]CAGCGGCTCCGGGGGCTCGGGTTCGGGTGGCCTGATTGGGCTCATGAAGGACGCCTTCCA-3'
Protein context (NP_005179.2, residues 4-24): NVKKSSGAGG[Gly14Asp]SGSGGSGSGG

ClinVar aggregate classification (germline): Uncertain significance. Review status: criteria provided, multiple submitters, no conflicts (2 of 4 stars). 3 submissions from 3 submitters: Uncertain significance (3). Last evaluated 2024-12-02.

Conditions:
RASopathy. Also called: rasopathies; Noonan spectrum disorder. Identifiers: Orphanet 536391, MedGen C5555857, MONDO:0021060.
CBL-related disorder. Also called: NOONAN SYNDROME-LIKE DISORDER WITHOUT JUVENILE MYELOMONOCYTIC LEUKEMIA; CBL MUTATION-ASSOCIATED SYNDROME; CBL SYNDROME. Identifiers: Orphanet 363972, MedGen C3150803, MONDO:0013308, OMIM 613563.
Cardiovascular phenotype. Identifiers: MedGen CN230736.

Allele frequency attached by ClinVar (database versions not stated): gnomAD exomes below 0.00001; TOPMed below 0.00001; gnomAD 0.00001.

Submissions (3):

Ambry Genetics
Classification: Uncertain significance for Cardiovascular phenotype. Last evaluated: 2024-12-02. Review status: criteria provided, single submitter. Criteria: Ambry Variant Classification Scheme 2023. Collection method: clinical testing. Allele origin: germline.
Comment: The p.G14D variant (also known as c.41G>A), located in coding exon 1 of the CBL gene, results from a G to A substitution at nucleotide position 41. The glycine at codon 14 is replaced by aspartic acid, an amino acid with similar properties. This amino acid position is conserved. In addition, this alteration is predicted to be tolerated by in silico analysis. Based on the available evidence, the clinical significance of this variant remains unclear.

Labcorp Genetics (formerly Invitae), Labcorp
Classification: Uncertain significance for RASopathy. Last evaluated: 2024-05-14. Review status: criteria provided, single submitter. Criteria: Invitae Variant Classification Sherloc (09022015). Collection method: clinical testing. Allele origin: germline.
Comment: This sequence change replaces glycine, which is neutral and non-polar, with aspartic acid, which is acidic and polar, at codon 14 of the CBL protein (p.Gly14Asp). This variant is not present in population databases (gnomAD no frequency). This variant has not been reported in the literature in individuals affected with CBL-related conditions. ClinVar contains an entry for this variant (Variation ID: 302775). Advanced modeling of protein sequence and biophysical properties (such as structural, functional, and spatial information, amino acid conservation, physicochemical variation, residue mobility, and thermodynamic stability) has been performed at Invitae for this missense variant, however the output from this modeling did not meet the statistical confidence thresholds required to predict the impact of this variant on CBL protein function. In summary, the available evidence is currently insufficient to determine the role of this variant in disease. Therefore, it has been classified as a Variant of Uncertain Significance.

Illumina Laboratory Services, Illumina
Classification: Uncertain significance for CBL-related disorder. Last evaluated: 2018-01-13. Review status: criteria provided, single submitter. Criteria: ICSL Variant Classification Criteria 13 December 2019. Collection method: clinical testing. Allele origin: germline.